The following is an entry in ClinVar:

NM_032119.4(ADGRV1):c.9325C>T (p.Gln3109Ter)

Gene: ADGRV1 (adhesion G protein-coupled receptor V1; plus strand). Cytogenetic location: 5q14.3.
Variant type: single nucleotide variant.
Coding change: c.9325C>T on transcript NM_032119.4 (MANE Select); coding-DNA position 9325, C replaced by T.
Protein change: p.Gln3109Ter; replaces glutamine 3109 with a stop codon.
Molecular consequence: nonsense. On other transcripts: non-coding transcript variant (1).
Genome position (GRCh38, 1-based): chr5:90,716,607, C>T. VCF-style: chr5-90716607-C-T. GRCh37 (hg19) VCF-style: chr5-90012424-C-T.
Other names: short protein forms Q3109*.
Identifiers: ClinVar variation 1387075 (VCV001387075.6), dbSNP rs2149744290, ClinGen allele CA360397396.

ClinVar aggregate classification (germline): Pathogenic (1 of 4 stars; one submission).

Submission:

Labcorp Genetics (formerly Invitae), Labcorp
Classification: Pathogenic. Last evaluated: 2024-02-24. Review status: criteria provided, single submitter. Criteria: Invitae Variant Classification Sherloc (09022015). Collection method: clinical testing. Allele origin: germline.
Comment: This sequence change creates a premature translational stop signal (p.Gln3109*) in the ADGRV1 gene. It is expected to result in an absent or disrupted protein product. Loss-of-function variants in ADGRV1 are known to be pathogenic (PMID: 19357117, 22135276, 22147658, 26226137, 30718709, 31047384, 32467589). This variant is not present in population databases (gnomAD no frequency). This variant has not been reported in the literature in individuals affected with ADGRV1-related conditions. ClinVar contains an entry for this variant (Variation ID: 1387075). For these reasons, this variant has been classified as Pathogenic.

Literature cited by the submitters: PubMed 19357117; PubMed 22135276; PubMed 22147658; PubMed 26226137; PubMed 30718709; PubMed 31047384; PubMed 32467589.